The following is an entry in ClinVar:

ClinVar aggregate classification (germline): Conflicting classifications of pathogenicity. Review status: criteria provided, conflicting classifications (1 of 4 stars). 7 submissions from 7 submitters: Uncertain significance (5); Likely benign (2). Last evaluated 2026-07-13.

Conditions:
TTN-related disorder. Also called: TTN-related condition; TTN-related disease; TTN-related disorders.
Dilated cardiomyopathy 1G (CMD1G). Identifiers: Orphanet 154, MedGen C1858763, MONDO:0011400, OMIM 604145.
Autosomal recessive limb-girdle muscular dystrophy type 2J (LGMDR10). Also called: Limb-girdle muscular dystrophy, type 2J; MUSCULAR DYSTROPHY, LIMB-GIRDLE, AUTOSOMAL RECESSIVE 10. Identifiers: Orphanet 140922, MedGen C1837342, MONDO:0012127, OMIM 608807.
Cardiomyopathy (CMYO). Also called: Cardiomyopathies. Identifiers: Orphanet 167848, MedGen C0878544, MONDO:0004994, HP:0001638. Inheritance: Various modes of inheritance.

Allele frequency attached by ClinVar (database versions not stated): ExAC 0.00004; ESP Exome Variant Server 0.00008; gnomAD exomes 0.00008 and 0.00009; gnomAD 0.00011; TOPMed 0.00012.
gnomAD v4.1: 150 of 1,613,844 alleles (0.0093%); highest among the groups gnomAD compares: Middle Eastern, 0.016%; no homozygotes.

Submissions (7):

PreventionGenetics, part of Exact Sciences
Classification: Uncertain significance for TTN-related condition. Last evaluated: 2026-07-13. Review status: criteria provided, single submitter. Criteria: ACMG Guidelines, 2015. Collection method: clinical testing. Allele origin: germline.
Comment: The TTN c.105940G>A variant is predicted to result in the amino acid substitution p.Ala35314Thr. This variant has been reported in an individual with dilated cardiomyopathy (Table S3, Mazzarotto et al. 2020. PubMed ID: 31983221). This variant is reported in 0.023% of alleles in individuals of Latino descent in gnomAD. Although we suspect that this variant may be benign, at this time, the clinical significance of this variant is uncertain due to the absence of conclusive functional and genetic evidence.

Labcorp Genetics (formerly Invitae), Labcorp
Classification: Uncertain significance for Dilated cardiomyopathy 1G; Autosomal recessive limb-girdle muscular dystrophy type 2J. Last evaluated: 2025-12-03. Review status: criteria provided, single submitter. Criteria: Invitae Variant Classification Sherloc (09022015). Collection method: clinical testing. Allele origin: germline.
Comment: This sequence change replaces alanine, which is neutral and non-polar, with threonine, which is neutral and polar, at codon 35314 of the TTN protein (p.Ala35314Thr). This variant is present in population databases (rs377171054, gnomAD 0.02%). This missense change has been observed in individual(s) with dilated cardiomyopathy (PMID: 31983221). ClinVar contains an entry for this variant (Variation ID: 203102). Experimental studies and prediction algorithms are not available or were not evaluated, and the functional significance of this variant is currently unknown. This variant is located in the M band of TTN (PMID: 25589632). Non-truncating variants in this region may be relevant for neuromuscular disorders, but have not been definitively shown to cause cardiomyopathy (PMID: 23975875). In summary, the available evidence is currently insufficient to determine the role of this variant in disease. Therefore, it has been classified as a Variant of Uncertain Significance.

CHEO Genetics Diagnostic Laboratory, Children's Hospital of Eastern Ontario
Classification: Likely benign for Cardiomyopathy. Last evaluated: 2023-03-23. Review status: criteria provided, single submitter. Criteria: ACMG Guidelines, 2015. Collection method: clinical testing. Allele origin: germline.

Revvity Omics, Revvity
Classification: Uncertain significance. Last evaluated: 2021-01-25. Review status: criteria provided, single submitter. Criteria: ACMG Guidelines, 2015. Collection method: clinical testing. Allele origin: germline.

GeneDx
Classification: Likely benign. Last evaluated: 2019-08-20. Review status: criteria provided, single submitter. Criteria: GeneDx Variant Classification Process June 2021. Collection method: clinical testing. Allele origin: germline. Affected: yes.
Comment: This variant is associated with the following publications: (PMID: 31983221)

Athena Diagnostics
Classification: Uncertain significance. Last evaluated: 2017-09-06. Review status: criteria provided, single submitter. Criteria: Athena Diagnostics Criteria. Collection method: clinical testing. Allele origin: germline.

Eurofins Ntd Llc (ga)
Classification: Uncertain significance. Last evaluated: 2017-05-25. Review status: criteria provided, single submitter. Criteria: EGL Classification Definitions 2015. Collection method: clinical testing. Allele origin: germline. Observed: 3 variant alleles, 3 heterozygotes.

Literature cited by the submitters: PubMed 31983221 (cited by Labcorp Genetics (formerly Invitae), Labcorp); PubMed 25589632 (cited by Labcorp Genetics (formerly Invitae), Labcorp); PubMed 23975875 (cited by Labcorp Genetics (formerly Invitae), Labcorp).

NM_001267550.2(TTN):c.105940G>A (p.Ala35314Thr)

Genes: TTN (titin; minus strand), TTN-AS1 (TTN antisense RNA 1; plus strand), LOC129935183 (ATAC-STARR-seq lymphoblastoid active region 16808; plus strand). Cytogenetic location: 2q31.2.
Variant type: single nucleotide variant.
Coding change: c.105940G>A on transcript NM_001267550.2 (MANE Select); coding-DNA position 105940, G replaced by A.
Protein change: p.Ala35314Thr; replaces alanine 35314 with threonine.
Molecular consequence: missense variant.
Genome position (GRCh38, 1-based): chr2:178,530,675, C>T on the plus strand (G>A on the coding strand, the complement: TTN is on the minus strand). VCF-style: chr2-178530675-C-T. GRCh37 (hg19) VCF-style: chr2-179395402-C-T.
Other names: p.A32746T:GCA>ACA; c.101017G>A, p.Ala33673Thr (NM_001256850.1); c.78745G>A, p.Ala26249Thr (NM_003319.4); c.98236G>A, p.Ala32746Thr (NM_133378.4); c.79120G>A, p.Ala26374Thr (NM_133432.3); c.79321G>A, p.Ala26441Thr (NM_133437.4); c.105940G>A (LRG_391t1); short protein forms A33673T, A35314T, A32746T, A26249T, A26374T, A26441T.
Identifiers: ClinVar variation 203102 (VCV000203102.18), dbSNP rs377171054, ClinGen allele CA311244.